The following is an entry in ClinVar:

ClinVar aggregate classification (germline): Uncertain significance (1 of 4 stars; one submission).

Conditions:
Immunodeficiency 35 (IMD35). Also called: TYK2 DEFICIENCY; HIES WITH ATYPICAL MYCOBACTERIOSIS, AUTOSOMAL RECESSIVE; HYPER-IgE SYNDROME WITH ATYPICAL MYCOBACTERIOSIS, AUTOSOMAL RECESSIVE; Susceptibility to infection due to TYK2 deficiency. Identifiers: Orphanet 331226, MedGen C1969086, MONDO:0012682, OMIM 611521.

gnomAD v4.1: 1 of 1,614,144 alleles (0.000062%); highest among the groups gnomAD compares: Non-Finnish European, 0.000085%; no homozygotes.

Submission:

Labcorp Genetics (formerly Invitae), Labcorp
Classification: Uncertain significance for Tyrosine kinase 2 deficiency. Last evaluated: 2019-06-05. Review status: criteria provided, single submitter. Criteria: Invitae Variant Classification Sherloc (09022015). Collection method: clinical testing. Allele origin: germline.
Comment: This sequence change replaces asparagine with lysine at codon 111 of the TYK2 protein (p.Asn111Lys). The asparagine residue is highly conserved and there is a moderate physicochemical difference between asparagine and lysine. This variant is not present in population databases (ExAC no frequency). This variant has not been reported in the literature in individuals with TYK2-related conditions. Algorithms developed to predict the effect of missense changes on protein structure and function are either unavailable or do not agree on the potential impact of this missense change (SIFT: "Deleterious"; PolyPhen-2: "Possibly Damaging"; Align-GVGD: "Class C0"). In summary, the available evidence is currently insufficient to determine the role of this variant in disease. Therefore, it has been classified as a Variant of Uncertain Significance.

NM_003331.5(TYK2):c.333C>G (p.Asn111Lys)

Gene: TYK2 (tyrosine kinase 2; minus strand). Cytogenetic location: 19p13.2.
Variant type: single nucleotide variant.
Coding change: c.333C>G on transcript NM_003331.5 (MANE Select); coding-DNA position 333, C replaced by G.
Protein change: p.Asn111Lys; replaces asparagine 111 with lysine.
Molecular consequence: missense variant.
Genome position (GRCh38, 1-based): chr19:10,368,187, G>C on the plus strand (C>G on the coding strand, the complement: TYK2 is on the minus strand). VCF-style: chr19-10368187-G-C. GRCh37 (hg19) VCF-style: chr19-10478863-G-C.
Other names: short protein forms N111K.
Identifiers: ClinVar variation 940283 (VCV000940283.1), dbSNP rs2041753647, ClinGen allele CA404019221.